The following continues an entry in ClinVar:

NM_007294.4(BRCA1):c.5154G>A (p.Trp1718Ter)

Gene: BRCA1. ClinVar aggregate classification (germline): Pathogenic. Pathogenic (1).

Submissions 11 to 18 of 18:

Laboratory for Molecular Medicine, Mass General Brigham Personalized Medicine
Classification: Pathogenic for Hereditary breast ovarian cancer syndrome. Last evaluated: 2017-05-12. Review status: criteria provided, single submitter. Criteria: ACMG Guidelines, 2015. Collection method: clinical testing. Allele origin: germline. Inheritance: Autosomal dominant inheritance. Not counted in ClinVar's aggregate classification.
Comment: The c.5154G>A (p.Trp1718X) variant in BRCA1 has been identified in >5 individuals with BRCA1-associated cancers (Shattuck-Eidens 1997, Cao 2013, Cao 2016, Breast Cancer Information Core (BIC) database). In addition, another nucleotide change (c.5153G>A) that results in the same amino acid change (p.Trp1718X) has been identified in individuals with BRCA1-associated cancers (Dong 1998, Breast Cancer Information Core (BIC) database). The c.5154G>A variant was absent from large population studies. This nonsense variant leads to a premature termination codon at position 1718, which is predicted to lead to a truncated or absent protein. Heterozygous loss of function of the BRCA1 gene is an established disease mechanism in hereditary breast and ovarian cancer (HBOC). Furthermore, this variant was classified as Pathogenic on Sep 8, 2016 by the ClinGen-approved ENIGMA Expert Panel (ClinVar SCV000300213.2). In summary, this variant meets criteria to be classified as pathogenic for HBOC in an autosomal dominant manner.

Genologica Medica
Classification: Pathogenic for Breast-ovarian cancer, familial, susceptibility to, 1. Last evaluated: 2017-01-01. Review status: criteria provided, single submitter. Criteria: ACMG Guidelines, 2015. Collection method: clinical testing. Allele origin: germline. Affected: yes. Not counted in ClinVar's aggregate classification.

Consortium of Investigators of Modifiers of BRCA1/2 (CIMBA), c/o University of Cambridge
Classification: Pathogenic for Breast-ovarian cancer, familial, susceptibility to, 1. Last evaluated: 2015-10-02. Review status: criteria provided, single submitter. Criteria: CIMBA Mutation Classification guidelines May 2016. Collection method: clinical testing. Allele origin: germline. Not counted in ClinVar's aggregate classification.

BRCAlab, Lund University
Classification: Pathogenic for Breast-ovarian cancer, familial, susceptibility to, 1. Last evaluated: 2020-03-02. Review status: no assertion criteria provided. Collection method: clinical testing. Allele origin: germline. Affected: yes. Not counted in ClinVar's aggregate classification.

Sharing Clinical Reports Project (SCRP)
Classification: Pathogenic for Breast-ovarian cancer, familial 1. Last evaluated: 2013-05-10. Review status: no assertion criteria provided. Collection method: clinical testing. Allele origin: germline. Not counted in ClinVar's aggregate classification.

Breast Cancer Information Core (BIC) (BRCA1)
Classification: Pathogenic for Breast-ovarian cancer, familial 1. Last evaluated: 2002-05-29. Review status: no assertion criteria provided. Collection method: clinical testing. Allele origin: germline. Affected: yes. Observed: 3 variant alleles. Not counted in ClinVar's aggregate classification.

Brotman Baty Institute, University of Washington
No classification provided (evidence only). Condition: Breast-ovarian cancer, familial 1. Review status: no classification provided. Collection method: in vitro. Allele origin: not applicable. Functional consequence: functionally_abnormal. Not counted in ClinVar's aggregate classification.
ClinVar note: "not provided" was previously submitted as the classification for the variant. However, the classification appeared to be based only on an observation of functional data so it was converted to no classification on 2025-07-30.

Department of Pathology and Laboratory Medicine, Sinai Health System
Classification: Pathogenic for Malignant tumor of breast. Review status: no assertion criteria provided. Collection method: clinical testing. Allele origin: unknown. Affected: yes. Observed: 1 variant allele. Study: The Canadian Open Genetics Repository (COGR). Not counted in ClinVar's aggregate classification.
Comment: The BRCA1 p.Trp1718* variant was identified in 23 of 67354 proband chromosomes (frequency: 0.0003) from individuals or families with breast or ovarian cancer (Cao 2016, Kim 2015, Rebbeck 2018). The variant was also identified in dbSNP (ID: rs80357239) as "With Likely pathogenic , Pathogenic allele",ClinVar (classified as pathogenic by GeneDx, SCRP, Color and four other submitters), LOVD 3.0 (6x as pathogenic), and in UMD-LSDB (2x as causal). The variant was not identified in the following control databases: the Exome Aggregation Consortium (August 8th 2016), or the Genome Aggregation Database (Feb 27, 2017). The c.5154G>A variant leads to a premature stop codon at position 1718 which is predicted to lead to a truncated or absent protein and loss of function. Loss of function variants of the BRCA1 gene are an established mechanism of disease in BRCA1 associated cancers and is the type of variant expected to cause the disorder. In summary, based on the above information this variant meets our laboratoryâ€šÃ„Ã´s criteria to be classified as pathogenic.

Literature cited by the submitters: PubMed 30702160 (cited by Quest Diagnostics Nichols Institute San Juan Capistrano); PubMed 26026974 (cited by Quest Diagnostics Nichols Institute San Juan Capistrano); PubMed 9760198 (cited by Quest Diagnostics Nichols Institute San Juan Capistrano); PubMed 34254208 (cited by Quest Diagnostics Nichols Institute San Juan Capistrano); PubMed 36385461 (cited by Quest Diagnostics Nichols Institute San Juan Capistrano); PubMed 26848529 (cited by Quest Diagnostics Nichols Institute San Juan Capistrano); PubMed 26780556 (cited by Quest Diagnostics Nichols Institute San Juan Capistrano); PubMed 26852015 (cited by Quest Diagnostics Nichols Institute San Juan Capistrano and Women's Health and Genetics/Laboratory Corporation of America, LabCorp); PubMed 23175448 (cited by Ambry Genetics); PubMed 9333265 (cited by Ambry Genetics and Labcorp Genetics (formerly Invitae), Labcorp); PubMed 30720863 (cited by Labcorp Genetics (formerly Invitae), Labcorp); PubMed 20104584 (cited by Labcorp Genetics (formerly Invitae), Labcorp); PubMed 30078507 (cited by Women's Health and Genetics/Laboratory Corporation of America, LabCorp).